The following is an entry in ClinVar:

ClinVar aggregate classification (germline): Uncertain significance (1 of 4 stars; one submission).

gnomAD v4.1: 1 of 1,612,446 alleles (0.000062%); highest among the groups gnomAD compares: Non-Finnish European, 0.000085%; no homozygotes.

Submission:

GeneDx
Classification: Uncertain significance. Last evaluated: 2021-03-24. Review status: criteria provided, single submitter. Criteria: GeneDx Variant Classification Process June 2021. Collection method: clinical testing. Allele origin: germline. Affected: yes.
Comment: Not observed in large population cohorts (Lek et al., 2016); In-silico analysis, which includes splice predictors and evolutionary conservation, is inconclusive as to whether the variant alters gene splicing. In the absence of RNA/functional studies, the actual effect of this sequence change is unknown.; Has not been previously published as pathogenic or benign to our knowledge

NM_001904.4(CTNNB1):c.2137+3A>G

Gene: CTNNB1 (catenin beta 1; plus strand). Cytogenetic location: 3p22.1.
Variant type: single nucleotide variant.
Coding change: c.2137+3A>G on transcript NM_001904.4 (MANE Select); 3 bases into the intron after coding-DNA position 2137, A replaced by G.
Molecular consequence: intron variant.
Genome position (GRCh38, 1-based): chr3:41,238,079, A>G. VCF-style: chr3-41238079-A-G. GRCh37 (hg19) VCF-style: chr3-41279570-A-G.
Other names: c.2116+3A>G (NM_001330729.2); c.2137+3A>G (NM_001098209.2, NM_001098210.2).
Identifiers: ClinVar variation 1316163 (VCV001316163.2), dbSNP rs2125650652, ClinGen allele CA2573052169.